The following is an entry in ClinVar:

ClinVar aggregate classification (germline): Uncertain significance (1 of 4 stars; one submission).

Submission:

GeneDx
Classification: Uncertain significance. Last evaluated: 2017-12-26. Review status: criteria provided, single submitter. Criteria: GeneDx Variant Classification (06012015). Collection method: clinical testing. Allele origin: germline. Affected: yes.
Comment: The V470L variant in the CACNA1S gene has not been reported previously as a pathogenic variant, nor as a benign variant, to our knowledge. The V470L variant is not observed in large population cohorts (Lek et al., 2016; 1000 Genomes Consortium et al., 2015; Exome Variant Server). The V470L variant is a conservative amino acid substitution, which is not likely to impact secondary protein structure as these residues share similar properties. This substitution occurs at a position where amino acids with similar properties to Valine are tolerated across species. In silico analysis is inconsistent in its predictions as to whether or not the variant is damaging to the protein structure/function. We interpret V470L as a variant of uncertain significance.

NM_000069.3(CACNA1S):c.1408G>T (p.Val470Leu)

Gene: CACNA1S (calcium voltage-gated channel subunit alpha1 S; minus strand). Cytogenetic location: 1q32.1.
Variant type: single nucleotide variant.
Coding change: c.1408G>T on transcript NM_000069.3 (MANE Select); coding-DNA position 1408, G replaced by T.
Protein change: p.Val470Leu; replaces valine 470 with leucine.
Molecular consequence: missense variant.
Genome position (GRCh38, 1-based): chr1:201,078,090, C>A on the plus strand (G>T on the coding strand, the complement: CACNA1S is on the minus strand). VCF-style: chr1-201078090-C-A. GRCh37 (hg19) VCF-style: chr1-201047218-C-A.
Other names: short protein forms V470L.
Identifiers: ClinVar variation 429471 (VCV000429471.2), dbSNP rs867624444, ClinGen allele CA344122836.